The following is an entry in ClinVar:

ClinVar aggregate classification (germline): Uncertain significance (1 of 4 stars; one submission).

Allele frequency attached by ClinVar (database versions not stated): gnomAD exomes below 0.00001.
gnomAD v4.1: 2 of 1,597,900 alleles (0.00013%); highest among the groups gnomAD compares: Non-Finnish European, 0.00017%; no homozygotes.

Submission:

GeneDx
Classification: Uncertain significance. Last evaluated: 2022-05-25. Review status: criteria provided, single submitter. Criteria: GeneDx Variant Classification Process June 2021. Collection method: clinical testing. Allele origin: germline. Affected: yes.
Comment: Not observed at significant frequency in large population cohorts (gnomAD); In silico analysis supports that this missense variant has a deleterious effect on protein structure/function; Has not been previously published as pathogenic or benign to our knowledge.

NM_006939.4(SOS2):c.1849G>C (p.Ala617Pro)

Gene: SOS2 (SOS Ras/Rho guanine nucleotide exchange factor 2; minus strand). Cytogenetic location: 14q21.3.
Variant type: single nucleotide variant.
Coding change: c.1849G>C on transcript NM_006939.4 (MANE Select); coding-DNA position 1849, G replaced by C.
Protein change: p.Ala617Pro; replaces alanine 617 with proline.
Molecular consequence: missense variant.
Genome position (GRCh38, 1-based): chr14:50,159,434, C>G on the plus strand (G>C on the coding strand, the complement: SOS2 is on the minus strand). VCF-style: chr14-50159434-C-G. GRCh37 (hg19) VCF-style: chr14-50626152-C-G.
Other names: c.1750G>C, p.Ala584Pro (NM_001411020.1); short protein forms A584P, A617P.
Identifiers: ClinVar variation 1801185 (VCV001801185.1), dbSNP rs2502987598, ClinGen allele CA389644827.